The following is an entry in ClinVar:

ClinVar aggregate classification (germline): Likely benign. Review status: criteria provided, multiple submitters, no conflicts (2 of 4 stars). 4 submissions from 4 submitters: Likely benign (3). 1 of the submissions does not count toward it. Last evaluated 2025-01-07.

Conditions:
RYR1-related disorder. Also called: RYR1-related disorders; RYR1-related condition. Identifiers: MedGen CN239331.
Malignant hyperthermia, susceptibility to, 1 (MHS1). Also called: Malignant hyperthermia suceptibility 1; Anesthesia related hyperthermia; Malignant hyperpyrexia; Fulminating hyperpyrexia; Pharmacogenic myopathy; RYR1-Related Malignant Hyperthermia Susceptibility. Identifiers: Orphanet 423, MedGen C2930980, MONDO:0007783, OMIM 145600.

Allele frequency attached by ClinVar (database versions not stated): ExAC 0.00002; gnomAD exomes 0.00002 and 0.00007; gnomAD 0.00004 and 0.00005; TOPMed 0.00004.
gnomAD v4.1: 107 of 1,614,100 alleles (0.0066%); highest among the groups gnomAD compares: Non-Finnish European, 0.0089%; no homozygotes.

Submissions (4):

Labcorp Genetics (formerly Invitae), Labcorp
Classification: Likely benign for RYR1-related disorder. Last evaluated: 2025-01-07. Review status: criteria provided, single submitter. Criteria: Invitae Variant Classification Sherloc (09022015). Collection method: clinical testing. Allele origin: germline.

Blueprint Genetics
Classification: Likely benign. Last evaluated: 2024-05-02. Review status: criteria provided, single submitter. Criteria: ACMG Guidelines, 2015. Collection method: clinical testing. Allele origin: germline.

Color Diagnostics, LLC DBA Color Health
Classification: Likely benign for Malignant hyperthermia, susceptibility to, 1. Last evaluated: 2022-11-06. Review status: criteria provided, single submitter. Criteria: ACMG Guidelines, 2015. Collection method: clinical testing. Allele origin: germline.

PreventionGenetics, part of Exact Sciences
Classification: Likely benign for RYR1-related condition. Last evaluated: 2019-12-23. Review status: no assertion criteria provided. Collection method: clinical testing. Allele origin: germline. Not counted in ClinVar's aggregate classification.
Comment: This variant is classified as likely benign based on ACMG/AMP sequence variant interpretation guidelines (Richards et al. 2015 PMID: 25741868, with internal and published modifications).

NM_000540.3(RYR1):c.10362G>A (p.Glu3454=)

Gene: RYR1 (ryanodine receptor 1; plus strand). Cytogenetic location: 19q13.2.
Variant type: single nucleotide variant.
Coding change: c.10362G>A on transcript NM_000540.3 (MANE Select); coding-DNA position 10362, G replaced by A.
Protein change: p.Glu3454=; no amino-acid change (glutamic acid 3454 retained).
Molecular consequence: synonymous variant.
Genome position (GRCh38, 1-based): chr19:38,523,231, G>A. VCF-style: chr19-38523231-G-A. GRCh37 (hg19) VCF-style: chr19-39013871-G-A.
Other names: c.10362G>A, p.Glu3454= (NM_001042723.2).
Identifiers: ClinVar variation 703267 (VCV000703267.15), dbSNP rs772039551, ClinGen allele CA053300.
Genomic context (GRCh38, chr19:38,523,231, plus strand): 5'-CGCCTGCCTTCACCTGTCCGGTCTGCAACACTGCTTCCCCCACCAGAACTTCAAGCGCGA[G>A]GAGCAGAACTTTGTGGTCCAGAATGAGATCAACAACATGTCCTTCCTGACTGCTGACAAC-3'
Protein context (NP_000531.2, residues 3444-3464): YWSKSHNFKR[Glu3454=]EQNFVVQNEI